The following is an entry in ClinVar:

NM_018297.4(NGLY1):c.1945A>T (p.Ile649Leu)

Gene: NGLY1 (N-glycanase 1; minus strand). Cytogenetic location: 3p24.2.
Variant type: single nucleotide variant.
Coding change: c.1945A>T on transcript NM_018297.4 (MANE Select); coding-DNA position 1945, A replaced by T.
Protein change: p.Ile649Leu; replaces isoleucine 649 with leucine.
Molecular consequence: missense variant. On other transcripts: 3 prime UTR variant (1).
Genome position (GRCh38, 1-based): chr3:25,719,480, T>A on the plus strand (A>T on the coding strand, the complement: NGLY1 is on the minus strand). VCF-style: chr3-25719480-T-A. GRCh37 (hg19) VCF-style: chr3-25760971-T-A.
Other names: c.1891A>T, p.Ile631Leu (NM_001145293.2); c.1819A>T, p.Ile607Leu (NM_001145294.2); c.*90A>T (NM_001145295.2); short protein forms I607L, I631L, I649L.
Identifiers: ClinVar variation 1385742 (VCV001385742.5), dbSNP rs746609579, ClinGen allele CA2289025.

ClinVar aggregate classification (germline): Uncertain significance (1 of 4 stars; one submission).

Conditions:
Congenital disorder of deglycosylation (CDDG). Identifiers: MedGen C3808991, MONDO:0031376.

Allele frequency attached by ClinVar (database versions not stated): gnomAD exomes below 0.00001 and 0.00001; ExAC 0.00001.

Submission:

Labcorp Genetics (formerly Invitae), Labcorp
Classification: Uncertain significance for Congenital disorder of deglycosylation. Last evaluated: 2022-07-05. Review status: criteria provided, single submitter. Criteria: Invitae Variant Classification Sherloc (09022015). Collection method: clinical testing. Allele origin: germline.
Comment: This sequence change replaces isoleucine, which is neutral and non-polar, with leucine, which is neutral and non-polar, at codon 649 of the NGLY1 protein (p.Ile649Leu). This variant is present in population databases (rs746609579, gnomAD 0.006%). This variant has not been reported in the literature in individuals affected with NGLY1-related conditions. ClinVar contains an entry for this variant (Variation ID: 1385742). Algorithms developed to predict the effect of missense changes on protein structure and function are either unavailable or do not agree on the potential impact of this missense change (SIFT: "Deleterious"; PolyPhen-2: "Benign"; Align-GVGD: "Class C0"). In summary, the available evidence is currently insufficient to determine the role of this variant in disease. Therefore, it has been classified as a Variant of Uncertain Significance.